The following is an entry in ClinVar:

NM_000154.2(GALK1):c.66G>A (p.Glu22=)

Gene: GALK1 (galactokinase 1; minus strand). Cytogenetic location: 17q25.1.
Variant type: single nucleotide variant.
Coding change: c.66G>A on transcript NM_000154.2 (MANE Select); coding-DNA position 66, G replaced by A.
Protein change: p.Glu22=; no amino-acid change (glutamic acid 22 retained).
Molecular consequence: synonymous variant.
Genome position (GRCh38, 1-based): chr17:75,765,071, C>T on the plus strand (G>A on the coding strand, the complement: GALK1 is on the minus strand). VCF-style: chr17-75765071-C-T. GRCh37 (hg19) VCF-style: chr17-73761152-C-T.
Identifiers: ClinVar variation 767045 (VCV000767045.48), dbSNP rs367558510, ClinGen allele CA8771149.

ClinVar aggregate classification (germline): Conflicting classifications of pathogenicity. Review status: criteria provided, conflicting classifications (1 of 4 stars). 4 submissions from 4 submitters: Uncertain significance (1); Likely benign (2). 1 of the submissions does not count toward it. Last evaluated 2026-01-28.

Conditions:
Deficiency of galactokinase. Also called: GALACTOSEMIA II; Galactokinase deficiency with cataracts. Identifiers: Orphanet 352, Orphanet 79237, MedGen C0268155, MONDO:0009255, OMIM 230200.

Allele frequency attached by ClinVar (database versions not stated): ESP Exome Variant Server 0.00016; gnomAD exomes 0.00043 and 0.00046; gnomAD 0.00044 and 0.00045; TOPMed 0.00049; ExAC 0.00077.
gnomAD v4.1: 677 of 1,600,492 alleles (0.042%); highest among the groups gnomAD compares: Non-Finnish European, 0.053%; no homozygotes.

Submissions (4):

Labcorp Genetics (formerly Invitae), Labcorp
Classification: Likely benign for Deficiency of galactokinase. Last evaluated: 2026-01-28. Review status: criteria provided, single submitter. Criteria: Invitae Variant Classification Sherloc (09022015). Collection method: clinical testing. Allele origin: germline.

CeGaT Center for Human Genetics Tuebingen
Classification: Likely benign. Last evaluated: 2023-08-01. Review status: criteria provided, single submitter. Criteria: CeGaT Center For Human Genetics Tuebingen Variant Classification Criteria Version 2. Collection method: clinical testing. Allele origin: germline. Affected: yes. Observed: 2 variant alleles.
Comment: GALK1: BP4, BP7

Illumina Laboratory Services, Illumina
Classification: Uncertain significance for Deficiency of galactokinase. Last evaluated: 2018-01-13. Review status: criteria provided, single submitter. Criteria: ICSL Variant Classification Criteria 13 December 2019. Collection method: clinical testing. Allele origin: germline.

Natera, Inc.
Classification: Uncertain significance for Deficiency of galactokinase. Last evaluated: 2019-11-11. Review status: no assertion criteria provided. Collection method: clinical testing. Allele origin: germline. Not counted in ClinVar's aggregate classification.